The following is an entry in ClinVar:

NM_007294.4(BRCA1):c.4990C>G (p.Leu1664Val)

Gene: BRCA1 (BRCA1 DNA repair associated; minus strand). Cytogenetic location: 17q21.31.
Variant type: single nucleotide variant.
Coding change: c.4990C>G on transcript NM_007294.4 (MANE Select); coding-DNA position 4990, C replaced by G.
Protein change: p.Leu1664Val; replaces leucine 1664 with valine.
Molecular consequence: missense variant. On other transcripts: non-coding transcript variant (1).
Genome position (GRCh38, 1-based): chr17:43,067,692, G>C on the plus strand (C>G on the coding strand, the complement: BRCA1 is on the minus strand). VCF-style: chr17-43067692-G-C. GRCh37 (hg19) VCF-style: chr17-41219709-G-C.
Other names: c.4777C>G, p.Leu1593Val (NM_001407571.1, NM_001407894.1, NM_001407895.1 and 12 more transcripts); c.5056C>G, p.Leu1686Val (NM_001407581.1, NM_001407582.1); c.5053C>G, p.Leu1685Val (NM_001407583.1, NM_001407585.1, NM_001407587.1 and 1 more transcripts); c.5050C>G, p.Leu1684Val (NM_001407590.1, NM_001407591.1); c.4990C>G, p.Leu1664Val (NM_001407593.1, NM_001407594.1, NM_001407596.1 and 8 more transcripts); c.4987C>G, p.Leu1663Val (NM_001407617.1, NM_001407618.1, NM_001407619.1 and 17 more transcripts); c.4984C>G, p.Leu1662Val (NM_001407636.1, NM_001407637.1, NM_001407638.1 and 14 more transcripts); c.4981C>G, p.Leu1661Val (NM_001407644.1, NM_001407645.1); and 70 more; short protein forms L560V, L1664V, L1685V, L1617V, L1368V, L1510V, L1574V, L1575V.
Identifiers: ClinVar variation 868501 (VCV000868501.5), dbSNP rs1467535423, ClinGen allele CA10591537.
Genomic context (GRCh38, chr17:43,067,692, plus strand): 5'-TCTCTTCAGTAATTAGATTAGTTAAAGTGATGTGGTGTTTTCTGGCAAACTTGTACACGA[G>C]CATCTGAAATTAAATCAAATATTCCATTATCATGAGTTACCTCTAGCACACAGCTCAGAA-3'
Protein context (NP_009225.1, residues 1654-1674): VSGLTPEEFM[Leu1664Val]VYKFARKHHI

ClinVar aggregate classification (germline): Uncertain significance (1 of 4 stars; one submission).

Conditions:
Hereditary cancer-predisposing syndrome. Also called: Neoplastic Syndromes, Hereditary; Tumor predisposition; Hereditary Cancer Syndrome; Hereditary neoplastic syndrome. Identifiers: Orphanet 140162, MedGen C0027672, MeSH D009386, MONDO:0015356.

Submissions (2):

Ambry Genetics
Classification: Uncertain significance for Hereditary cancer-predisposing syndrome. Last evaluated: 2018-05-25. Review status: criteria provided, single submitter. Criteria: Ambry Variant Classification Scheme 2023. Collection method: clinical testing. Allele origin: germline.
Comment: The p.L1664V variant (also known as c.4990C>G), located in coding exon 15 of the BRCA1 gene, results from a C to G substitution at nucleotide position 4990. The leucine at codon 1664 is replaced by valine, an amino acid with highly similar properties. This amino acid position is well conserved in available vertebrate species. In addition, the in silico prediction for this alteration is inconclusive. Since supporting evidence is limited at this time, the clinical significance of this alteration remains unclear.

Brotman Baty Institute, University of Washington
No classification provided (evidence only). Condition: Breast-ovarian cancer, familial 1. Review status: no classification provided. Collection method: in vitro. Allele origin: not applicable. Functional consequence: functionally_normal. Not counted in ClinVar's aggregate classification.
ClinVar note: "not provided" was previously submitted as the classification for the variant. However, the classification appeared to be based only on an observation of functional data so it was converted to no classification on 2025-07-30.